The following is an entry in ClinVar:

NM_003664.5(AP3B1):c.2333G>A (p.Ser778Asn)

Gene: AP3B1 (adaptor related protein complex 3 subunit beta 1; minus strand). Cytogenetic location: 5q14.1.
Variant type: single nucleotide variant.
Coding change: c.2333G>A on transcript NM_003664.5 (MANE Select); coding-DNA position 2333, G replaced by A.
Protein change: p.Ser778Asn; replaces serine 778 with asparagine.
Molecular consequence: missense variant.
Genome position (GRCh38, 1-based): chr5:78,110,271, C>T on the plus strand (G>A on the coding strand, the complement: AP3B1 is on the minus strand). VCF-style: chr5-78110271-C-T. GRCh37 (hg19) VCF-style: chr5-77406095-C-T.
Other names: c.2186G>A, p.Ser729Asn (NM_001271769.2); c.2333G>A, p.Ser778Asn (NM_001410752.1); short protein forms S729N, S778N.
Identifiers: ClinVar variation 1968478 (VCV001968478.3), dbSNP rs1751516319, ClinGen allele CA360182897.
Genomic context (GRCh38, chr5:78,110,271, plus strand): 5'-GTGACTCTTCTGGATTCAGATTCACTTTCAGGTTCTGACTCTGATTCAGAATCGGAAGAA[C>T]TGTCTTCTATTGAACTAGATTCGTCATTTGAAGAATCTGAAGTTTTAGATTTTTCATTTT-3'
Protein context (NP_003655.3, residues 768-788): SNDESSSIED[Ser778Asn]SSDSESESEP

ClinVar aggregate classification (germline): Uncertain significance (1 of 4 stars; one submission).

Conditions:
Hermansky-Pudlak syndrome 2 (HPS2). Also called: Platelet defects and oculocutaneous albinism. Identifiers: Orphanet 183678, Orphanet 79430, MedGen C1842362, MONDO:0011997, OMIM 608233.

Submission:

Labcorp Genetics (formerly Invitae), Labcorp
Classification: Uncertain significance for Hermansky-Pudlak syndrome 2. Last evaluated: 2024-02-12. Review status: criteria provided, single submitter. Criteria: Invitae Variant Classification Sherloc (09022015). Collection method: clinical testing. Allele origin: germline.
Comment: This sequence change replaces serine, which is neutral and polar, with asparagine, which is neutral and polar, at codon 778 of the AP3B1 protein (p.Ser778Asn). This variant is not present in population databases (gnomAD no frequency). This variant has not been reported in the literature in individuals affected with AP3B1-related conditions. ClinVar contains an entry for this variant (Variation ID: 1968478). Algorithms developed to predict the effect of missense changes on protein structure and function output the following: SIFT: "Not Available"; PolyPhen-2: "Benign"; Align-GVGD: "Not Available". The asparagine amino acid residue is found in multiple mammalian species, which suggests that this missense change does not adversely affect protein function. In summary, the available evidence is currently insufficient to determine the role of this variant in disease. Therefore, it has been classified as a Variant of Uncertain Significance.